The following is an entry in ClinVar:

ClinVar aggregate classification (germline): Uncertain significance (1 of 4 stars; one submission).

Allele frequency attached by ClinVar (database versions not stated): ExAC 0.00008; TOPMed 0.00019; ESP Exome Variant Server 0.00031; 1000 Genomes Project 30x 0.00078; 1000 Genomes Project 0.00080.
gnomAD v4.1: 48 of 1,614,036 alleles (0.003%); highest among the groups gnomAD compares: African/African-American, 0.064%; no homozygotes.

Submission:

GeneDx
Classification: Uncertain significance. Last evaluated: 2022-11-22. Review status: criteria provided, single submitter. Criteria: GeneDx Variant Classification Process June 2021. Collection method: clinical testing. Allele origin: germline. Affected: yes.
Comment: In silico analysis supports that this missense variant has a deleterious effect on protein structure/function; Has not been previously published as pathogenic or benign to our knowledge

NM_001025616.3(ARHGAP24):c.1418G>T (p.Gly473Val)

Gene: ARHGAP24 (Rho GTPase activating protein 24; plus strand). Cytogenetic location: 4q21.23.
Variant type: single nucleotide variant.
Coding change: c.1418G>T on transcript NM_001025616.3 (MANE Select); coding-DNA position 1418, G replaced by T.
Protein change: p.Gly473Val; replaces glycine 473 with valine.
Molecular consequence: missense variant.
Genome position (GRCh38, 1-based): chr4:85,995,072, G>T. VCF-style: chr4-85995072-G-T. GRCh37 (hg19) VCF-style: chr4-86916225-G-T.
Other names: c.1133G>T, p.Gly378Val (NM_001042669.2); c.1163G>T, p.Gly388Val (NM_001287805.2); c.839G>T, p.Gly280Val (NM_001346093.2); c.1139G>T, p.Gly380Val (NM_031305.3); short protein forms G280V, G378V, G380V, G388V, G473V.
Identifiers: ClinVar variation 2502618 (VCV002502618.1), dbSNP rs115134211, ClinGen allele CA2994736.